The following is an entry in ClinVar:

NM_001364905.1(LRBA):c.4300A>T (p.Met1434Leu)

Gene: LRBA (LPS responsive beige-like anchor protein; minus strand). Cytogenetic location: 4q31.3.
Variant type: single nucleotide variant.
Coding change: c.4300A>T on transcript NM_001364905.1 (MANE Select); coding-DNA position 4300, A replaced by T.
Protein change: p.Met1434Leu; replaces methionine 1434 with leucine.
Molecular consequence: missense variant.
Genome position (GRCh38, 1-based): chr4:150,848,857, T>A on the plus strand (A>T on the coding strand, the complement: LRBA is on the minus strand). VCF-style: chr4-150848857-T-A. GRCh37 (hg19) VCF-style: chr4-151770009-T-A.
Other names: c.4300A>T, p.Met1434Leu (NM_001199282.3, NM_001367550.1, NM_006726.5); short protein forms M1434L.
Identifiers: ClinVar variation 1310211 (VCV001310211.6), dbSNP rs1487349620, ClinGen allele CA358452790.

ClinVar aggregate classification (germline): Uncertain significance. Review status: criteria provided, multiple submitters, no conflicts (2 of 4 stars). 2 submissions from 2 submitters: Uncertain significance (2). Last evaluated 2022-10-25.

Conditions:
Combined immunodeficiency due to LRBA deficiency. Also called: Common variable immunodeficiency 8, with autoimmunity. Identifiers: Orphanet 445018, MedGen C3553512, MONDO:0013863, OMIM 614700.

Allele frequency attached by ClinVar (database versions not stated): gnomAD 0.00001.

Submissions (2):

Labcorp Genetics (formerly Invitae), Labcorp
Classification: Uncertain significance for Combined immunodeficiency due to LRBA deficiency. Last evaluated: 2022-10-25. Review status: criteria provided, single submitter. Criteria: Invitae Variant Classification Sherloc (09022015). Collection method: clinical testing. Allele origin: germline.
Comment: This sequence change replaces methionine, which is neutral and non-polar, with leucine, which is neutral and non-polar, at codon 1434 of the LRBA protein (p.Met1434Leu). This variant is not present in population databases (gnomAD no frequency). This variant has not been reported in the literature in individuals affected with LRBA-related conditions. ClinVar contains an entry for this variant (Variation ID: 1310211). Advanced modeling of protein sequence and biophysical properties (such as structural, functional, and spatial information, amino acid conservation, physicochemical variation, residue mobility, and thermodynamic stability) has been performed at Invitae for this missense variant, however the output from this modeling did not meet the statistical confidence thresholds required to predict the impact of this variant on LRBA protein function. In summary, the available evidence is currently insufficient to determine the role of this variant in disease. Therefore, it has been classified as a Variant of Uncertain Significance.

GeneDx
Classification: Uncertain significance. Last evaluated: 2019-11-22. Review status: criteria provided, single submitter. Criteria: GeneDx Variant Classification Process June 2021. Collection method: clinical testing. Allele origin: germline. Affected: yes.
Comment: In silico analysis, which includes protein predictors and evolutionary conservation, supports a deleterious effect; Not observed in large population cohorts (Lek et al., 2016); Has not been previously published as pathogenic or benign to our knowledge